The following is an entry in ClinVar:

ClinVar aggregate classification (germline): Pathogenic (1 of 4 stars; one submission).

Submission:

ARUP Laboratories, Molecular Genetics and Genomics, ARUP Laboratories
Classification: Pathogenic. Last evaluated: 2025-01-03. Review status: criteria provided, single submitter. Criteria: ARUP Molecular Germline Variant Investigation Process 2024. Collection method: clinical testing. Allele origin: germline.
Comment: The COL5A1 c.2959C>T; p.Gln987Ter variant, to our knowledge, is not reported in the medical literature or gene specific databases. This variant is also absent from the Genome Aggregation Database (v2.1.1), indicating it is not a common polymorphism. This variant induces an early termination codon and is predicted to result in a truncated protein or mRNA subject to nonsense-mediated decay. Truncation variations are the most common type of pathogenic COL5A1 variant (Symoens 2012). Based on available information, this variant is considered to be pathogenic. References: Symoens S et al. Comprehensive molecular analysis demonstrates type V collagen mutations in over 90% of patients with classic EDS and allows to refine diagnostic criteria. Hum Mutat. 2012; 33(10):1485-1493. PMID: 22696272.

NM_000093.5(COL5A1):c.2959C>T (p.Gln987Ter)

Gene: COL5A1 (collagen type V alpha 1 chain; plus strand). Cytogenetic location: 9q34.3.
Variant type: single nucleotide variant.
Coding change: c.2959C>T on transcript NM_000093.5 (MANE Select); coding-DNA position 2959, C replaced by T.
Protein change: p.Gln987Ter; replaces glutamine 987 with a stop codon.
Molecular consequence: nonsense.
Genome position (GRCh38, 1-based): chr9:134,801,960, C>T. VCF-style: chr9-134801960-C-T. GRCh37 (hg19) VCF-style: chr9-137693806-C-T.
Other names: c.2959C>T, p.Gln987Ter (NM_001278074.1); short protein forms Q987*.
Identifiers: ClinVar variation 4685945 (VCV004685945.1).